The following is an entry in ClinVar:

ClinVar aggregate classification (germline): Likely benign (1 of 4 stars; one submission).

gnomAD v4.1: 574 of 1,612,982 alleles (0.036%); highest among the groups gnomAD compares: African/African-American, 0.64%; 4 homozygotes.

Submission:

CeGaT Center for Human Genetics Tuebingen
Classification: Likely benign. Last evaluated: 2025-09-01. Review status: criteria provided, single submitter. Criteria: CeGaT Center For Human Genetics Tuebingen Variant Classification Criteria Version 2. Collection method: clinical testing. Allele origin: germline. Affected: yes. Observed: 1 variant allele.
Comment: PPFIA3: BP4, BP7

NM_003660.4(PPFIA3):c.1971C>T (p.Pro657=)

Gene: PPFIA3 (PPFI scaffold protein A3; plus strand). Cytogenetic location: 19q13.33.
Variant type: single nucleotide variant.
Coding change: c.1971C>T on transcript NM_003660.4 (MANE Select); coding-DNA position 1971, C replaced by T.
Protein change: p.Pro657=; no amino-acid change (proline 657 retained).
Molecular consequence: synonymous variant.
Genome position (GRCh38, 1-based): chr19:49,138,322, C>T. VCF-style: chr19-49138322-C-T. GRCh37 (hg19) VCF-style: chr19-49641579-C-T.
Identifiers: ClinVar variation 4281014 (VCV004281014.7).